The following is an entry in ClinVar:

ClinVar aggregate classification (germline): Uncertain significance. Review status: criteria provided, multiple submitters, no conflicts (2 of 4 stars). 4 submissions from 4 submitters: Uncertain significance (4). Last evaluated 2025-03-10.

Allele frequency attached by ClinVar (database versions not stated): ExAC below 0.00001; gnomAD 0.00006; gnomAD exomes 0.00002; TOPMed 0.00005.
gnomAD v4.1: 121 of 1,525,250 alleles (0.0079%); highest among the groups gnomAD compares: Non-Finnish European, 0.0097%; no homozygotes.

Submissions (4):

Mayo Clinic Laboratories, Mayo Clinic
Classification: Uncertain significance. Last evaluated: 2025-03-10. Review status: criteria provided, single submitter. Criteria: ACMG Guidelines, 2015. Collection method: clinical testing. Allele origin: germline. Observed: 2 variant alleles.

Ambry Genetics
Classification: Uncertain significance. Last evaluated: 2023-03-21. Review status: criteria provided, single submitter. Criteria: Ambry Variant Classification Scheme 2023. Collection method: clinical testing. Allele origin: germline.

Labcorp Genetics (formerly Invitae), Labcorp
Classification: Uncertain significance. Last evaluated: 2022-08-21. Review status: criteria provided, single submitter. Criteria: Invitae Variant Classification Sherloc (09022015). Collection method: clinical testing. Allele origin: germline.
Comment: This sequence change replaces arginine, which is basic and polar, with glutamine, which is neutral and polar, at codon 1323 of the SBF1 protein (p.Arg1323Gln). The frequency data for this variant in the population databases is considered unreliable, as metrics indicate poor data quality at this position in the gnomAD database. This variant has not been reported in the literature in individuals affected with SBF1-related conditions. ClinVar contains an entry for this variant (Variation ID: 618355). Algorithms developed to predict the effect of missense changes on protein structure and function are either unavailable or do not agree on the potential impact of this missense change (SIFT: "Tolerated"; PolyPhen-2: "Possibly Damaging"; Align-GVGD: "Class C0"). Algorithms developed to predict the effect of sequence changes on RNA splicing suggest that this variant may create or strengthen a splice site. In summary, the available evidence is currently insufficient to determine the role of this variant in disease. Therefore, it has been classified as a Variant of Uncertain Significance.

ARUP Laboratories, Molecular Genetics and Genomics, ARUP Laboratories
Classification: Uncertain significance. Last evaluated: 2017-11-09. Review status: criteria provided, single submitter. Criteria: ARUP Molecular Germline Variant Investigation Process. Collection method: clinical testing. Allele origin: germline.
Comment: The p.Arg1323Gln variant (rs746388522) has not been reported in the medical literature, gene specific variation databases, nor has it been previously identified by our laboratory. This variant is listed in the Genome Aggregation Database (gnomAD) identified on a single chromosome out of 30,888. The arginine at position 1,323 is moderately conserved considering 12 species (Alamut v2.10) and computational analyses of the effects of the p.Arg1323Gln variant on protein structure and function provide conflicting results (SIFT: tolerated, MutationTaster: disease causing, PolyPhen-2: benign). Altogether, there is not enough evidence to classify the p.Arg1323Gln variant with certainty.

NM_002972.4(SBF1):c.3968G>A (p.Arg1323Gln)

Gene: SBF1 (SET binding factor 1; minus strand). Cytogenetic location: 22q13.33.
Variant type: single nucleotide variant.
Coding change: c.3968G>A on transcript NM_002972.4 (MANE Select); coding-DNA position 3968, G replaced by A.
Protein change: p.Arg1323Gln; replaces arginine 1323 with glutamine.
Molecular consequence: missense variant.
Genome position (GRCh38, 1-based): chr22:50,456,610, C>T on the plus strand (G>A on the coding strand, the complement: SBF1 is on the minus strand). VCF-style: chr22-50456610-C-T. GRCh37 (hg19) VCF-style: chr22-50895039-C-T.
Other names: c.3893G>A, p.Arg1298Gln (NM_001365819.1); c.3968G>A (NM_002972.2); short protein forms R1323Q, R1298Q.
Identifiers: ClinVar variation 618355 (VCV000618355.21), dbSNP rs746388522, ClinGen allele CA10316455.